The following is an entry in ClinVar:

ClinVar aggregate classification (germline): Pathogenic (1 of 4 stars; one submission).

Conditions:
Osteogenesis imperfecta type I (OI1). Also called: Osteogenesis imperfecta type 1; Lobstein's Disease; OI, TYPE I; OSTEOGENESIS IMPERFECTA TARDA; OSTEOGENESIS IMPERFECTA WITH BLUE SCLERAE; Lobstein disease. Identifiers: Orphanet 216796, Orphanet 666, MedGen C0023931, MONDO:0008146, OMIM 166200. Disease mechanism: loss of function.

Submission:

Labcorp Genetics (formerly Invitae), Labcorp
Classification: Pathogenic for Osteogenesis imperfecta type I. Last evaluated: 2020-02-27. Review status: criteria provided, single submitter. Criteria: Invitae Variant Classification Sherloc (09022015). Collection method: clinical testing. Allele origin: germline.
Comment: For these reasons, this variant has been classified as Pathogenic. Loss-of-function variants in COL1A1 are known to be pathogenic (PMID: 7942841, 9295084, 9443882). This variant has not been reported in the literature in individuals with COL1A1-related conditions. The frequency data for this variant in the population databases is not available, as this variant may be reported as separate entries in the ExAC database. This sequence change creates a premature translational stop signal (p.Gly815Profs*293) in the COL1A1 gene. It is expected to result in an absent or disrupted protein product.

Literature cited by the submitters: PubMed 7942841; PubMed 9295084; PubMed 9443882.

NM_000088.4(COL1A1):c.2443_2444delinsC (p.Gly815fs)

Gene: COL1A1 (collagen type I alpha 1 chain; minus strand). Cytogenetic location: 17q21.33.
Variant type: Indel.
Coding change: c.2443_2444delinsC on transcript NM_000088.4 (MANE Select); coding-DNA positions 2443 to 2444, GG replaced by C.
Protein change: p.Gly815fs; shifts the reading frame from glycine 815.
Molecular consequence: frameshift variant.
Genome position (GRCh38, 1-based): chr17:50,190,334-50,190,335, CC replaced by G on the plus strand (GG replaced by C on the coding strand, the reverse complement: COL1A1 is on the minus strand). VCF-style: chr17-50190334-CC-G. GRCh37 (hg19) VCF-style: chr17-48267695-CC-G.
Other names: short protein forms G815fs.
Identifiers: ClinVar variation 3010194 (VCV003010194.3), dbSNP rs66929519, ClinGen allele CA2740093779.